The following is an entry in ClinVar:

NM_033409.4(SLC52A3):c.517T>C (p.Ser173Pro)

Gene: SLC52A3 (solute carrier family 52 member 3; minus strand). Cytogenetic location: 20p13.
Variant type: single nucleotide variant.
Coding change: c.517T>C on transcript NM_033409.4 (MANE Select); coding-DNA position 517, T replaced by C.
Protein change: p.Ser173Pro; replaces serine 173 with proline.
Molecular consequence: missense variant.
Genome position (GRCh38, 1-based): chr20:765,258, A>G on the plus strand (T>C on the coding strand, the complement: SLC52A3 is on the minus strand). VCF-style: chr20-765258-A-G. GRCh37 (hg19) VCF-style: chr20-745902-A-G.
Other names: c.517T>C, p.Ser173Pro (NM_001370085.1, NM_001370086.1); short protein forms S173P.
Identifiers: ClinVar variation 569208 (VCV000569208.8), dbSNP rs749602815, ClinGen allele CA9724761.
Genomic context (GRCh38, chr20:765,258, plus strand): 5'-TGCTGGGTACCTGTGCGATGTCAGTCTCCCTCGTGGGTACAGGGCTTGGTACGCTGTCTG[A>G]TATCTCAGTGACATTGACGCAGGTAGTGAGACCGGAGCCCTGGGCAAGAGCCACCAGGGC-3'
Protein context (NP_212134.3, residues 163-183): LTTCVNVTEI[Ser173Pro]DSVPSPVPTR

ClinVar aggregate classification (germline): Uncertain significance. Review status: criteria provided, multiple submitters, no conflicts (2 of 4 stars). 2 submissions from 2 submitters: Uncertain significance (2). Last evaluated 2024-05-23.

Conditions:
Brown-Vialetto-van Laere syndrome 1. Also called: BROWN-VIALETTO-VAN LAERE SYNDROME 1, MILD; PONTOBULBAR PALSY WITH DEAFNESS; BULBAR PALSY, PROGRESSIVE, WITH SENSORINEURAL DEAFNESS. Identifiers: Orphanet 572550, Orphanet 97229, MedGen C0796274, MONDO:0024537, OMIM 211530.
Inborn genetic diseases. Identifiers: MedGen C0950123, MeSH D030342.

Allele frequency attached by ClinVar (database versions not stated): gnomAD 0.00008 and 0.00009; ExAC 0.00001; gnomAD exomes 0.00001; TOPMed 0.00028.
gnomAD v4.1: 33 of 1,614,058 alleles (0.002%); highest among the groups gnomAD compares: Admixed American, 0.03%; no homozygotes.

Submissions (2):

Ambry Genetics
Classification: Uncertain significance for Inborn genetic diseases. Last evaluated: 2024-05-23. Review status: criteria provided, single submitter. Criteria: Ambry Variant Classification Scheme 2023. Collection method: clinical testing. Allele origin: germline.

Labcorp Genetics (formerly Invitae), Labcorp
Classification: Uncertain significance for Brown-Vialetto-van Laere syndrome 1. Last evaluated: 2022-10-13. Review status: criteria provided, single submitter. Criteria: Invitae Variant Classification Sherloc (09022015). Collection method: clinical testing. Allele origin: germline.
Comment: This sequence change replaces serine, which is neutral and polar, with proline, which is neutral and non-polar, at codon 173 of the SLC52A3 protein (p.Ser173Pro). This variant is present in population databases (rs749602815, gnomAD 0.009%). This variant has not been reported in the literature in individuals affected with SLC52A3-related conditions. ClinVar contains an entry for this variant (Variation ID: 569208). Advanced modeling of protein sequence and biophysical properties (such as structural, functional, and spatial information, amino acid conservation, physicochemical variation, residue mobility, and thermodynamic stability) performed at Invitae indicates that this missense variant is not expected to disrupt SLC52A3 protein function. In summary, the available evidence is currently insufficient to determine the role of this variant in disease. Therefore, it has been classified as a Variant of Uncertain Significance.